The following is an entry in ClinVar:

ClinVar aggregate classification (germline): Benign (1 of 4 stars; one submission).

Allele frequency attached by ClinVar (database versions not stated): gnomAD exomes 0.32713; gnomAD 0.34207 and 0.35222; TOPMed 0.35992; 1000 Genomes Project 30x 0.47845; 1000 Genomes Project 0.49361.
gnomAD v4.1: 435,117 of 1,313,504 alleles (33%); highest among the groups gnomAD compares: East Asian, 79%; 79,317 homozygotes.

Submission:

GeneDx
Classification: Benign. Last evaluated: 2018-06-14. Review status: criteria provided, single submitter. Criteria: GeneDx Variant Classification (06012015). Collection method: clinical testing. Allele origin: germline. Affected: yes.
Comment: This variant is considered likely benign or benign based on one or more of the following criteria: it is a conservative change, it occurs at a poorly conserved position in the protein, it is predicted to be benign by multiple in silico algorithms, and/or has population frequency not consistent with disease.

NM_182961.4(SYNE1):c.15917+137T>G

Gene: SYNE1 (spectrin repeat containing nuclear envelope protein 1; minus strand). Cytogenetic location: 6q25.2.
Variant type: single nucleotide variant.
Coding change: c.15917+137T>G on transcript NM_182961.4 (MANE Select); 137 bases into the intron after coding-DNA position 15917, T replaced by G.
Molecular consequence: intron variant.
Genome position (GRCh38, 1-based): chr6:152,323,341, A>C on the plus strand (T>G on the coding strand, the complement: SYNE1 is on the minus strand). VCF-style: chr6-152323341-A-C. GRCh37 (hg19) VCF-style: chr6-152644476-A-C.
Other names: c.15704+137T>G (NM_033071.5).
Identifiers: ClinVar variation 670181 (VCV000670181.1), dbSNP rs12206044, ClinGen allele CA12253556.